The following is an entry in ClinVar:

ClinVar aggregate classification (germline): Uncertain significance (1 of 4 stars; one submission).

Conditions:
Hereditary cancer-predisposing syndrome. Also called: Neoplastic Syndromes, Hereditary; Tumor predisposition; Hereditary neoplastic syndrome; Hereditary Cancer Syndrome. Identifiers: Orphanet 140162, MedGen C0027672, MeSH D009386, MONDO:0015356.

Submission:

Ambry Genetics
Classification: Uncertain significance for Hereditary cancer-predisposing syndrome. Last evaluated: 2025-06-13. Review status: criteria provided, single submitter. Criteria: Ambry Variant Classification Scheme 2023. Collection method: clinical testing. Allele origin: germline.
Comment: The c.303_341dup39 variant (also known as p.L102_S114dup), located in coding exon 1 of the ALK gene, results from an in-frame duplication of 39 nucleotides at nucleotide positions 303 to 341. This results in the duplication of 13 extra residues (LGPAPGVSWTAGS) between codons 102 and 114. In addition, this variant is predicted to be neutral by in silico analysis (Choi Y et al. PLoS ONE. 2012; 7(10):e46688). Based on the available evidence, the clinical significance of this variant remains unclear.

NM_004304.5(ALK):c.303_341dup (p.Ser114_Pro115insLeuGlyProAlaProGlyValSerTrpThrAlaGlySer)

Gene: ALK (ALK receptor tyrosine kinase; minus strand). Cytogenetic location: 2p23.1.
Variant type: Duplication.
Coding change: c.303_341dup on transcript NM_004304.5 (MANE Select); coding-DNA positions 303 to 341, 39 bases duplicated.
Protein change: p.Ser114_Pro115insLeuGlyProAlaProGlyValSerTrpThrAlaGlySer.
Genome position (GRCh38, 1-based): chr2:29,920,319-29,920,357, 39 bases duplicated. GRCh37 (hg19): chr2:30,143,185-30,143,223.
Identifiers: ClinVar variation 4040117 (VCV004040117.1).